The following is an entry in ClinVar:

NM_000444.6(PHEX):c.1899+3G>C

Genes: PHEX (phosphate regulating endopeptidase X-linked; plus strand), PTCHD1-AS (PTCHD1 and PHEX antisense RNA; minus strand). Cytogenetic location: Xp22.11.
Variant type: single nucleotide variant.
Coding change: c.1899+3G>C on transcript NM_000444.6 (MANE Select); 3 bases into the intron after coding-DNA position 1899, G replaced by C.
Molecular consequence: intron variant.
Genome position (GRCh38, 1-based): chrX:22,221,746, G>C. VCF-style: chrX-22221746-G-C. GRCh37 (hg19) VCF-style: chrX-22239863-G-C.
Other names: c.1899+3G>C (NM_001282754.2).
Identifiers: ClinVar variation 950697 (VCV000950697.9), dbSNP rs1935276815, ClinGen allele CA1139667314.

ClinVar aggregate classification (germline): Uncertain significance (1 of 4 stars; one submission).

Submission:

Labcorp Genetics (formerly Invitae), Labcorp
Classification: Uncertain significance. Last evaluated: 2021-03-22. Review status: criteria provided, single submitter. Criteria: Invitae Variant Classification Sherloc (09022015). Collection method: clinical testing. Allele origin: germline.
Comment: In summary, the available evidence is currently insufficient to determine the role of this variant in disease. Therefore, it has been classified as a Variant of Uncertain Significance. Nucleotide substitutions within the consensus splice site are a relatively common cause of aberrant splicing (PMID: 17576681, 9536098). Algorithms developed to predict the effect of sequence changes on RNA splicing suggest that this variant may disrupt the consensus splice site, but this prediction has not been confirmed by published transcriptional studies. This variant has been observed in an individual with clinical features of hypophosphatemia (Invitae, external communication). ClinVar contains an entry for this variant (Variation ID: 950697). This variant is not present in population databases (ExAC no frequency). This sequence change falls in intron 18 of the PHEX gene. It does not directly change the encoded amino acid sequence of the PHEX protein, but it affects a nucleotide within the consensus splice site of the intron.

Literature cited by the submitters: PubMed 17576681; PubMed 9536098.